The following is an entry in ClinVar:

ClinVar aggregate classification (germline): Pathogenic. Review status: criteria provided, multiple submitters, no conflicts (2 of 4 stars). 4 submissions from 4 submitters: Pathogenic (4). Last evaluated 2026-02-17.

Conditions:
Retinal dystrophy. Also called: Inherited retinal dystrophy. Identifiers: Orphanet 71862, MedGen C0854723, MeSH D058499, MONDO:0019118, HP:0000556.
TRPM1-related disorder. Also called: TRPM1-related condition.

Allele frequency attached by ClinVar (database versions not stated): gnomAD exomes below 0.00001 and 0.00001; ExAC 0.00001; gnomAD 0.00001; TOPMed 0.00002.
gnomAD v4.1: 17 of 1,614,012 alleles (0.0011%); highest among the groups gnomAD compares: Admixed American, 0.0017%; no homozygotes.

Submissions (4):

PreventionGenetics, part of Exact Sciences
Classification: Pathogenic for TRPM1-related condition. Last evaluated: 2026-02-17. Review status: criteria provided, single submitter. Criteria: ACMG Guidelines, 2015. Collection method: clinical testing. Allele origin: germline.
Comment: The TRPM1 c.545-1G>C variant is predicted to disrupt the AG splice acceptor site and interfere with normal splicing. This variant is referred to as c.428-1G>C in the alternate transcript NM_002420.5. This variant has been reported, in the homozygous state or in the heterozygous state along with a second possibly causative variant, in individuals with TRPM1 related disorders (see examples: appendix 1, Bijveld et al. 2013. PubMed ID: 23714322; supplementary table 2, Del Pozo-Valero et al. 2022. PubMed ID: 35119454; reported as c.494-1G>C, supplementary table 1 Hayman. 2024. PubMed ID: 37798099). This variant is reported in 0.0029% of alleles in individuals of Latino descent in gnomAD. Variants that disrupt the consensus splice acceptor site in TRPM1 are expected to be pathogenic. This variant is interpreted as pathogenic.

Labcorp Genetics (formerly Invitae), Labcorp
Classification: Pathogenic. Last evaluated: 2025-09-30. Review status: criteria provided, single submitter. Criteria: Invitae Variant Classification Sherloc (09022015). Collection method: clinical testing. Allele origin: germline.
Comment: This sequence change affects an acceptor splice site in intron 4 of the TRPM1 gene. It is expected to disrupt RNA splicing. Variants that disrupt the donor or acceptor splice site typically lead to a loss of protein function (PMID: 16199547), and loss-of-function variants in TRPM1 are known to be pathogenic (PMID: 19896113, 19966281, 20300565). This variant is present in population databases (rs760391688, gnomAD 0.003%). Disruption of this splice site has been observed in individuals with clinical features of congenital stationary night blindness (PMID: 23714322; internal data). ClinVar contains an entry for this variant (Variation ID: 866281). Algorithms developed to predict the effect of sequence changes on RNA splicing suggest that this variant may disrupt the consensus splice site. For these reasons, this variant has been classified as Pathogenic.

Blueprint Genetics
Classification: Pathogenic for TRPM1-related disorders. Last evaluated: 2023-11-01. Review status: criteria provided, single submitter. Criteria: ACMG Guidelines, 2015. Collection method: clinical testing. Allele origin: germline. Affected: yes. Observed: 5 variant alleles.

Institute of Human Genetics, Univ. Regensburg, Univ. Regensburg
Classification: Pathogenic for Retinal dystrophy. Last evaluated: 2023-01-01. Review status: criteria provided, single submitter. Criteria: ACMG Guidelines, 2015. Collection method: clinical testing. Allele origin: germline. Affected: yes.

Literature cited by the submitters: PubMed 16199547 (cited by Labcorp Genetics (formerly Invitae), Labcorp); PubMed 19896113 (cited by Labcorp Genetics (formerly Invitae), Labcorp); PubMed 19966281 (cited by Labcorp Genetics (formerly Invitae), Labcorp); PubMed 20300565 (cited by Labcorp Genetics (formerly Invitae), Labcorp); PubMed 23714322 (cited by Labcorp Genetics (formerly Invitae), Labcorp and Institute of Human Genetics, Univ. Regensburg, Univ. Regensburg); PubMed 32141364 (cited by Institute of Human Genetics, Univ. Regensburg, Univ. Regensburg); PubMed 34426522 (cited by Institute of Human Genetics, Univ. Regensburg, Univ. Regensburg); PubMed 35119454 (cited by Institute of Human Genetics, Univ. Regensburg, Univ. Regensburg).

NM_001252024.2(TRPM1):c.494-1G>C

Gene: TRPM1 (transient receptor potential cation channel subfamily M member 1; minus strand). Cytogenetic location: 15q13.3.
Variant type: single nucleotide variant.
Coding change: c.494-1G>C on transcript NM_001252024.2 (MANE Select); the canonical splice acceptor site of the intron before coding-DNA position 494, G replaced by C.
Molecular consequence: splice acceptor variant.
Genome position (GRCh38, 1-based): chr15:31,067,188, C>G on the plus strand (G>C on the coding strand, the complement: TRPM1 is on the minus strand). VCF-style: chr15-31067188-C-G. GRCh37 (hg19) VCF-style: chr15-31359391-C-G.
Other names: c.545-1G>C (NM_001252020.2, NM_001252020.1); c.428-1G>C (NM_002420.6).
Identifiers: ClinVar variation 866281 (VCV000866281.12), dbSNP rs760391688, ClinGen allele CA7452924.